The following is an entry in ClinVar:

ClinVar aggregate classification (germline): Uncertain significance (1 of 4 stars; one submission).

gnomAD v4.1: 52 of 1,613,744 alleles (0.0032%); highest among the groups gnomAD compares: Non-Finnish European, 0.0043%; no homozygotes.

Submission:

Mayo Clinic Laboratories, Mayo Clinic
Classification: Uncertain significance. Last evaluated: 2024-06-26. Review status: criteria provided, single submitter. Criteria: ACMG Guidelines, 2015. Collection method: clinical testing. Allele origin: germline. Observed: 1 variant allele.
Comment: BP4

NM_001256071.3(RNF213):c.11210A>G (p.Lys3737Arg)

Genes: RNF213 (ring finger protein 213; plus strand), RNF213-AS1 (RNF213 antisense RNA 1; minus strand). Cytogenetic location: 17q25.3.
Variant type: single nucleotide variant.
Coding change: c.11210A>G on transcript NM_001256071.3 (MANE Select); coding-DNA position 11210, A replaced by G.
Protein change: p.Lys3737Arg; replaces lysine 3737 with arginine.
Molecular consequence: missense variant.
Genome position (GRCh38, 1-based): chr17:80,361,743, A>G. VCF-style: chr17-80361743-A-G. GRCh37 (hg19) VCF-style: chr17-78335543-A-G.
Other names: p.Lys3737Arg; c.11357A>G, p.Lys3786Arg (NM_001410195.1, NM_020914.5); short protein forms K3737R, K3786R.
Identifiers: ClinVar variation 3380531 (VCV003380531.1).